The following is an entry in ClinVar:

NM_001256789.3(CACNA1F):c.5775G>T (p.Met1925Ile)

Gene: CACNA1F (calcium voltage-gated channel subunit alpha1 F; minus strand). Cytogenetic location: Xp11.23.
Variant type: single nucleotide variant.
Coding change: c.5775G>T on transcript NM_001256789.3 (MANE Select); coding-DNA position 5775, G replaced by T.
Protein change: p.Met1925Ile; replaces methionine 1925 with isoleucine.
Molecular consequence: missense variant.
Genome position (GRCh38, 1-based): chrX:49,205,263, C>A on the plus strand (G>T on the coding strand, the complement: CACNA1F is on the minus strand). VCF-style: chrX-49205263-C-A. GRCh37 (hg19) VCF-style: chrX-49061723-C-A.
Other names: c.5613G>T, p.Met1871Ile (NM_001256790.3); c.5808G>T, p.Met1936Ile (NM_005183.4); short protein forms M1871I, M1925I, M1936I.
Identifiers: ClinVar variation 2010649 (VCV002010649.4), dbSNP rs2520660975, ClinGen allele CA412956228.

ClinVar aggregate classification (germline): Uncertain significance (1 of 4 stars; one submission).

Submission:

Labcorp Genetics (formerly Invitae), Labcorp
Classification: Uncertain significance. Last evaluated: 2022-06-25. Review status: criteria provided, single submitter. Criteria: Invitae Variant Classification Sherloc (09022015). Collection method: clinical testing. Allele origin: germline.
Comment: In summary, the available evidence is currently insufficient to determine the role of this variant in disease. Therefore, it has been classified as a Variant of Uncertain Significance. Algorithms developed to predict the effect of missense changes on protein structure and function (SIFT, PolyPhen-2, Align-GVGD) all suggest that this variant is likely to be tolerated. This variant has not been reported in the literature in individuals affected with CACNA1F-related conditions. This variant is not present in population databases (gnomAD no frequency). This sequence change replaces methionine, which is neutral and non-polar, with isoleucine, which is neutral and non-polar, at codon 1936 of the CACNA1F protein (p.Met1936Ile).